The following is an entry in ClinVar:

ClinVar aggregate classification (germline): Benign. Review status: criteria provided, multiple submitters, no conflicts (2 of 4 stars). 2 submissions from 2 submitters: Benign (2). Last evaluated 2018-06-14.

Allele frequency attached by ClinVar (database versions not stated): TOPMed 0.19403; gnomAD 0.19557 and 0.19634; gnomAD exomes 0.21446; 1000 Genomes Project 0.18411; 1000 Genomes Project 30x 0.18863.
gnomAD v4.1: 311,680 of 1,470,516 alleles (21%); highest among the groups gnomAD compares: East Asian, 24%; 33,448 homozygotes.

Submissions (5):

GeneDx
Classification: Benign. Last evaluated: 2018-06-14. Review status: criteria provided, single submitter. Criteria: GeneDx Variant Classification (06012015). Collection method: clinical testing. Allele origin: germline. Affected: yes.
Comment: This variant is considered likely benign or benign based on one or more of the following criteria: it is a conservative change, it occurs at a poorly conserved position in the protein, it is predicted to be benign by multiple in silico algorithms, and/or has population frequency not consistent with disease.

Breakthrough Genomics
Classification: Benign. Review status: criteria provided, single submitter. Criteria: ACMG Guidelines, 2015. Collection method: not provided. Allele origin: germline. Inheritance: Autosomal recessive inheritance. Affected: yes.

Dr. Peter K. Rogan Lab, Western University
No classification provided (evidence only). Condition: Malignant lymphoma, large B-cell, diffuse. Review status: no classification provided. Collection method: in vitro. Allele origin: not applicable. Functional consequence: retained intron. Not counted in ClinVar's aggregate classification.

Dr. Peter K. Rogan Lab, Western University
No classification provided (evidence only). Condition: Malignant lymphoma, large B-cell, diffuse. Review status: no classification provided. Collection method: in vitro. Allele origin: not applicable. Functional consequence: retained intron. Not counted in ClinVar's aggregate classification.

Dr. Peter K. Rogan Lab, Western University
No classification provided (evidence only). Condition: Uterine carcinosarcoma. Review status: no classification provided. Collection method: in vitro. Allele origin: not applicable. Functional consequence: retained intron. Not counted in ClinVar's aggregate classification.

NM_000083.3(CLCN1):c.1931-62G>A

Genes: CLCN1 (chloride voltage-gated channel 1; plus strand), LOC123956257 (Sharpr-MPRA regulatory region 4117; plus strand). Cytogenetic location: 7q34.
Variant type: single nucleotide variant.
Coding change: c.1931-62G>A on transcript NM_000083.3 (MANE Select); 62 bases into the intron before coding-DNA position 1931, G replaced by A.
Molecular consequence: intron variant.
Genome position (GRCh38, 1-based): chr7:143,345,459, G>A. VCF-style: chr7-143345459-G-A. GRCh37 (hg19) VCF-style: chr7-143042552-G-A.
Other names: NC_000007.13:g.143042552G>A.
Identifiers: ClinVar variation 680143 (VCV000680143.3), dbSNP rs10952548, ClinGen allele CA12523746.
Genomic context (GRCh38, chr7:143,345,459, plus strand): 5'-TGAGAAAGATGTGGGGACGCCGGGCAGGGTGGCGCCTCTCCTGTTCCTTCTCAGGAGTGC[G>A]GAGCGCGGTGGTGCGAGAGGGCTTGGAGGGGGCGCTCAGGCAGGGCGTGGGTTTCCCTCA-3'